The following is an entry in ClinVar:

ClinVar aggregate classification (germline): Uncertain significance. Review status: criteria provided, multiple submitters, no conflicts (2 of 4 stars). 3 submissions from 3 submitters: Uncertain significance (3). Last evaluated 2025-08-13.

Conditions:
Developmental and epileptic encephalopathy. Identifiers: MedGen C5779964, MONDO:0100620.
Developmental and epileptic encephalopathy, 3 (DEE3). Also called: Epileptic encephalopathy, early infantile, 3. Identifiers: MedGen C5574665, MONDO:0012245, OMIM 609304.

Allele frequency attached by ClinVar (database versions not stated): gnomAD 0.00001; gnomAD exomes 0.00001; TOPMed 0.00001.
gnomAD v4.1: 23 of 1,612,860 alleles (0.0014%); highest among the groups gnomAD compares: African/African-American, 0.0027%; no homozygotes.

Submissions (3):

GeneDx
Classification: Uncertain significance. Last evaluated: 2025-08-13. Review status: criteria provided, single submitter. Criteria: GeneDx Variant Classification Process June 2021. Collection method: clinical testing. Allele origin: germline.
Comment: Not observed at significant frequency in large population cohorts (gnomAD); In silico analysis supports that this missense variant has a deleterious effect on protein structure/function; Has not been previously published as pathogenic or benign to our knowledge

Revvity Omics, Revvity
Classification: Uncertain significance for Developmental and epileptic encephalopathy, 3. Last evaluated: 2024-11-18. Review status: criteria provided, single submitter. Criteria: ACMG Guidelines, 2015. Collection method: clinical testing. Allele origin: germline.

Labcorp Genetics (formerly Invitae), Labcorp
Classification: Uncertain significance for Early-infantile DEE. Last evaluated: 2023-12-06. Review status: criteria provided, single submitter. Criteria: Invitae Variant Classification Sherloc (09022015). Collection method: clinical testing. Allele origin: germline.
Comment: This sequence change replaces glutamic acid, which is acidic and polar, with lysine, which is basic and polar, at codon 60 of the SLC25A22 protein (p.Glu60Lys). This variant is present in population databases (rs193920962, gnomAD 0.004%). This variant has not been reported in the literature in individuals affected with SLC25A22-related conditions. ClinVar contains an entry for this variant (Variation ID: 940821). Advanced modeling of protein sequence and biophysical properties (such as structural, functional, and spatial information, amino acid conservation, physicochemical variation, residue mobility, and thermodynamic stability) has been performed at Invitae for this missense variant, however the output from this modeling did not meet the statistical confidence thresholds required to predict the impact of this variant on SLC25A22 protein function. In summary, the available evidence is currently insufficient to determine the role of this variant in disease. Therefore, it has been classified as a Variant of Uncertain Significance.

NM_001191061.2(SLC25A22):c.178G>A (p.Glu60Lys)

Gene: SLC25A22 (solute carrier family 25 member 22; minus strand). Cytogenetic location: 11p15.5.
Variant type: single nucleotide variant.
Coding change: c.178G>A on transcript NM_001191061.2 (MANE Select); coding-DNA position 178, G replaced by A.
Protein change: p.Glu60Lys; replaces glutamic acid 60 with lysine.
Molecular consequence: missense variant.
Genome position (GRCh38, 1-based): chr11:794,482, C>T on the plus strand (G>A on the coding strand, the complement: SLC25A22 is on the minus strand). VCF-style: chr11-794482-C-T. GRCh37 (hg19) VCF-style: chr11-794482-C-T.
Other names: c.178G>A, p.Glu60Lys (NM_001191060.2, NM_024698.6); short protein forms E60K.
Identifiers: ClinVar variation 940821 (VCV000940821.9), dbSNP rs193920962, ClinGen allele CA5789337.